The following is an entry in ClinVar:

NM_032409.3(PINK1):c.314G>T (p.Gly105Val)

Gene: PINK1 (PTEN induced kinase 1; plus strand). Cytogenetic location: 1p36.12.
Variant type: single nucleotide variant.
Coding change: c.314G>T on transcript NM_032409.3 (MANE Select); coding-DNA position 314, G replaced by T.
Protein change: p.Gly105Val; replaces glycine 105 with valine.
Molecular consequence: missense variant.
Genome position (GRCh38, 1-based): chr1:20,633,862, G>T. VCF-style: chr1-20633862-G-T. GRCh37 (hg19) VCF-style: chr1-20960355-G-T.
Other names: short protein forms G105V.
Identifiers: ClinVar variation 2137434 (VCV002137434.1), dbSNP rs543071128, ClinGen allele CA660367.

ClinVar aggregate classification (germline): Uncertain significance (1 of 4 stars; one submission).

Conditions:
Autosomal recessive early-onset Parkinson disease 6 (PARK6). Also called: PARKINSON DISEASE 6, EARLY-ONSET; PINK1-Related Parkinson Disease; PINK1 Type of Young-Onset Parkinson Disease; PARKINSON DISEASE 6, MODIFIER OF. Identifiers: Orphanet 2828, MedGen C1853833, MONDO:0011613, OMIM 605909.

Allele frequency attached by ClinVar (database versions not stated): TOPMed below 0.00001; gnomAD 0.00001; ExAC 0.00011; 1000 Genomes Project 0.00020; 1000 Genomes Project 30x 0.00047.
gnomAD v4.1: 54 of 1,578,076 alleles (0.0034%); highest among the groups gnomAD compares: South Asian, 0.06%; 1 homozygote.

Submission:

Labcorp Genetics (formerly Invitae), Labcorp
Classification: Uncertain significance for Autosomal recessive early-onset Parkinson disease 6. Last evaluated: 2022-09-16. Review status: criteria provided, single submitter. Criteria: Invitae Variant Classification Sherloc (09022015). Collection method: clinical testing. Allele origin: germline.
Comment: This sequence change replaces glycine, which is neutral and non-polar, with valine, which is neutral and non-polar, at codon 105 of the PINK1 protein (p.Gly105Val). The frequency data for this variant in the population databases is considered unreliable, as metrics indicate poor data quality at this position in the gnomAD database. This variant has not been reported in the literature in individuals affected with PINK1-related conditions. Advanced modeling of protein sequence and biophysical properties (such as structural, functional, and spatial information, amino acid conservation, physicochemical variation, residue mobility, and thermodynamic stability) performed at Invitae indicates that this missense variant is not expected to disrupt PINK1 protein function. In summary, the available evidence is currently insufficient to determine the role of this variant in disease. Therefore, it has been classified as a Variant of Uncertain Significance.